The following is an entry in ClinVar:

ClinVar aggregate classification (germline): Uncertain significance (1 of 4 stars; one submission).

Conditions:
Hereditary cancer-predisposing syndrome. Also called: Hereditary neoplastic syndrome; Neoplastic Syndromes, Hereditary; Tumor predisposition; Hereditary Cancer Syndrome. Identifiers: Orphanet 140162, MedGen C0027672, MeSH D009386, MONDO:0015356.

Submission:

Ambry Genetics
Classification: Uncertain significance for Hereditary cancer-predisposing syndrome. Last evaluated: 2026-03-25. Review status: criteria provided, single submitter. Criteria: Ambry Variant Classification Scheme 2023. Collection method: clinical testing. Allele origin: germline.
Comment: The p.S254N variant (also known as c.761G>A), located in coding exon 2 of the HOXB13 gene, results from a G to A substitution at nucleotide position 761. The serine at codon 254 is replaced by asparagine, an amino acid with highly similar properties. This amino acid position is well conserved in available vertebrate species; however, asparagine is the reference amino acid in other vertebrate species. In addition, this alteration is predicted to be tolerated by in silico analysis. Based on the available evidence, the clinical significance of this variant remains unclear.

NM_006361.6(HOXB13):c.761G>A (p.Ser254Asn)

Gene: HOXB13 (homeobox B13; minus strand). Cytogenetic location: 17q21.32.
Variant type: single nucleotide variant.
Coding change: c.761G>A on transcript NM_006361.6 (MANE Select); coding-DNA position 761, G replaced by A.
Protein change: p.Ser254Asn; replaces serine 254 with asparagine.
Molecular consequence: missense variant.
Genome position (GRCh38, 1-based): chr17:48,726,884, C>T on the plus strand (G>A on the coding strand, the complement: HOXB13 is on the minus strand). VCF-style: chr17-48726884-C-T. GRCh37 (hg19) VCF-style: chr17-46804246-C-T.
Other names: short protein forms S254N.
Identifiers: ClinVar variation 4858377 (VCV004858377.1).